The following is an entry in ClinVar:

ClinVar aggregate classification (germline): Uncertain significance (1 of 4 stars; one submission).

Submission:

Labcorp Genetics (formerly Invitae), Labcorp
Classification: Uncertain significance. Last evaluated: 2025-04-15. Review status: criteria provided, single submitter. Criteria: Invitae Variant Classification Sherloc (09022015). Collection method: clinical testing. Allele origin: germline.
Comment: This sequence change replaces asparagine, which is neutral and polar, with lysine, which is basic and polar, at codon 971 of the KLB protein (p.Asn971Lys). This variant is not present in population databases (gnomAD no frequency). This variant has not been reported in the literature in individuals affected with KLB-related conditions. Invitae Evidence Modeling of protein sequence and biophysical properties (such as structural, functional, and spatial information, amino acid conservation, physicochemical variation, residue mobility, and thermodynamic stability) indicates that this missense variant is not expected to disrupt KLB protein function with a negative predictive value of 80%. In summary, the available evidence is currently insufficient to determine the role of this variant in disease. Therefore, it has been classified as a Variant of Uncertain Significance.

NM_175737.4(KLB):c.2913C>A (p.Asn971Lys)

Gene: KLB (klotho beta; plus strand). Cytogenetic location: 4p14.
Variant type: single nucleotide variant.
Coding change: c.2913C>A on transcript NM_175737.4 (MANE Select); coding-DNA position 2913, C replaced by A.
Protein change: p.Asn971Lys; replaces asparagine 971 with lysine.
Molecular consequence: missense variant.
Genome position (GRCh38, 1-based): chr4:39,448,464, C>A. VCF-style: chr4-39448464-C-A. GRCh37 (hg19) VCF-style: chr4-39450084-C-A.
Other names: short protein forms N971K.
Identifiers: ClinVar variation 4760499 (VCV004760499.1).
Genomic context (GRCh38, chr4:39,448,464, plus strand): 5'-TAAATCCTCAATACAATTTTACAACAAAGTGATCAGCAGCAGGGGCTTCCCTTTTGAGAA[C>A]AGTAGTTCTAGATGCAGTCAGACCCAAGAAAATACAGAGTGCACTGTCTGCTTATTCCTT-3'
Protein context (NP_783864.1, residues 961-981): VISSRGFPFE[Asn971Lys]SSSRCSQTQE